The following is an entry in ClinVar:

ClinVar aggregate classification (germline): Likely pathogenic (1 of 4 stars; one submission).

Conditions:
Coffin-Siris syndrome 1 (CSS1). Also called: Mental retardation, autosomal dominant 12; ARID1B-Related Coffin-Siris Syndrome. Identifiers: Orphanet 1465, MedGen C3281201, MONDO:0007617, OMIM 135900. Disease mechanism: gain of function.

Submission:

3billion
Classification: Likely pathogenic for Coffin-Siris syndrome 1. Last evaluated: 2022-03-22. Review status: criteria provided, single submitter. Criteria: ACMG Guidelines, 2015. Collection method: clinical testing. Allele origin: germline. Affected: yes. Observed: 1 heterozygote.
Comment: Frameshift: predicted to result in a loss or disruption of normal protein function through nonsense-mediated decay (NMD) or protein truncation. Multiple pathogenic variants are reported downstream of the variant.It is not observed in the gnomAD v2.1.1 dataset. Therefore, this variant is classified as likely pathogenic according to the recommendation of ACMG/AMP guideline.

NM_001374828.1(ARID1B):c.3827_3828del (p.Glu1276fs)

Gene: ARID1B (AT-rich interaction domain 1B; plus strand). Cytogenetic location: 6q25.3.
Variant type: Deletion.
Coding change: c.3827_3828del on transcript NM_001374828.1 (MANE Select); coding-DNA positions 3827 to 3828, 2 bases deleted (AG; older notation c.3827_3828delAG).
Protein change: p.Glu1276fs; shifts the reading frame from glutamic acid 1276.
Molecular consequence: frameshift variant.
Genome position (GRCh38, 1-based): chr6:157,184,343-157,184,344, AG deleted; deleting any 2 consecutive bases within chr6:157,184,342-157,184,344 gives the same sequence; the c. name uses the placement nearest the transcript's 3' end. VCF-style (leftmost placement, unchanged base first): chr6-157184341-TGA-T. GRCh37 (hg19) VCF-style: chr6-157505475-TGA-T.
Other names: c.1328_1329del, p.Glu443fs (NM_001363725.2); c.3707_3708del, p.Glu1236fs (NM_001371656.1, NM_001374820.1); c.3668_3669del, p.Glu1223fs (NM_017519.3); short protein forms E1223fs, E1236fs, E1276fs, E443fs.
Identifiers: ClinVar variation 1526143 (VCV001526143.1), dbSNP rs2128325428, ClinGen allele CA2573140705.
Genomic context (GRCh38, chr6:157,184,341, plus strand): 5'-CACCTCAAGCAGTGCAGCGAGCTCCCTGAAAAAGCAGTATATTCAGTACCTGTTTGCCTT[TGA>T]GTGCAAGATCGAACGTGGGGAGGAGCCCCCGCCGGAAGTCTTCAGCACCGGGGACACCAA-3'